The following is an entry in ClinVar:

ClinVar aggregate classification (germline): Uncertain significance. Review status: criteria provided, multiple submitters, no conflicts (2 of 4 stars). 4 submissions from 4 submitters: Uncertain significance (4). Last evaluated 2025-07-01.

Conditions:
Heterotopia, periventricular, X-linked dominant (PVNH1). Also called: PERIVENTRICULAR NODULAR HETEROTOPIA 1; X-linked periventricular heterotopia; PERIVENTRICULAR NODULAR HETEROTOPIA 4; HETEROTOPIA, PERIVENTRICULAR, 1. Identifiers: Orphanet 2149, Orphanet 82004, MedGen C1848213, MONDO:0010233, OMIM 300049.
Melnick-Needles syndrome (MNS). Also called: MELNICK-NEEDLES OSTEODYSPLASTY; OSTEODYSPLASTY OF MELNICK AND NEEDLES; Melnick-Needles Syndrome (FLNA-MNS). Identifiers: Orphanet 2484, MedGen C0025237, MONDO:0010650, OMIM 309350.
Frontometaphyseal dysplasia (FMD1). Identifiers: Orphanet 1826, MedGen C0265293, MONDO:0015942.
Oto-palato-digital syndrome, type II (OPD2). Also called: FACIOPALATOOSSEOUS SYNDROME; OPD II SYNDROME; Otopalatodigital Syndrome, Type II; Otopalatodigital Syndrome Type 2 (FLNA-OPD2). Identifiers: Orphanet 669, Orphanet 90652, MedGen C1844696, MONDO:0010571, OMIM 304120.
Familial thoracic aortic aneurysm and aortic dissection (TAAD). Also called: Thoracic aortic aneurysms and dissections. Identifiers: Orphanet 91387, MedGen C4707243, MONDO:0019625.

Submissions (4):

CeGaT Center for Human Genetics Tuebingen
Classification: Uncertain significance. Last evaluated: 2025-07-01. Review status: criteria provided, single submitter. Criteria: CeGaT Center For Human Genetics Tuebingen Variant Classification Criteria Version 2. Collection method: clinical testing. Allele origin: germline. Affected: yes. Observed: 1 variant allele.
Comment: FLNA: PM2

Labcorp Genetics (formerly Invitae), Labcorp
Classification: Uncertain significance for Oto-palato-digital syndrome, type II; Heterotopia, periventricular, X-linked dominant; Frontometaphyseal dysplasia; Melnick-Needles syndrome. Last evaluated: 2022-02-19. Review status: criteria provided, single submitter. Criteria: Invitae Variant Classification Sherloc (09022015). Collection method: clinical testing. Allele origin: germline.
Comment: This sequence change replaces methionine, which is neutral and non-polar, with arginine, which is basic and polar, at codon 1950 of the FLNA protein (p.Met1950Arg). This variant is not present in population databases (gnomAD no frequency). This variant has not been reported in the literature in individuals affected with FLNA-related conditions. ClinVar contains an entry for this variant (Variation ID: 129064). Advanced modeling of protein sequence and biophysical properties (such as structural, functional, and spatial information, amino acid conservation, physicochemical variation, residue mobility, and thermodynamic stability) performed at Invitae indicates that this missense variant is not expected to disrupt FLNA protein function. Algorithms developed to predict the effect of sequence changes on RNA splicing suggest that this variant may disrupt the consensus splice site. In summary, the available evidence is currently insufficient to determine the role of this variant in disease. Therefore, it has been classified as a Variant of Uncertain Significance.

Ambry Genetics
Classification: Uncertain significance for Familial thoracic aortic aneurysm and aortic dissection. Last evaluated: 2018-11-05. Review status: criteria provided, single submitter. Criteria: Ambry Variant Classification Scheme 2023. Collection method: clinical testing. Allele origin: germline.
Comment: The p.M1950R variant (also known as c.5849T>G), located in coding exon 35 of the FLNA gene, results from a T to G substitution at nucleotide position 5849. The methionine at codon 1950 is replaced by arginine, an amino acid with similar properties. This amino acid position is well conserved in available vertebrate species; however, arginine is the reference amino acid in other vertebrate species. In addition, the in silico prediction for this alteration is inconclusive. Since supporting evidence is limited at this time, the clinical significance of this alteration remains unclear.

Genetic Services Laboratory, University of Chicago
Classification: Uncertain significance. Last evaluated: 2013-04-01. Review status: criteria provided, single submitter. Criteria: ACMG Guidelines, 2007. Collection method: clinical testing. Allele origin: germline. Inheritance: X-linked inheritance.

NM_001110556.2(FLNA):c.5873T>G (p.Met1958Arg)

Gene: FLNA (filamin A; minus strand). Cytogenetic location: Xq28.
Variant type: single nucleotide variant.
Coding change: c.5873T>G on transcript NM_001110556.2 (MANE Select); coding-DNA position 5873, T replaced by G.
Protein change: p.Met1958Arg; replaces methionine 1958 with arginine.
Molecular consequence: missense variant.
Genome position (GRCh38, 1-based): chrX:154,353,445, A>C on the plus strand (T>G on the coding strand, the complement: FLNA is on the minus strand). VCF-style: chrX-154353445-A-C. GRCh37 (hg19) VCF-style: chrX-153581813-A-C.
Other names: c.5849T>G, p.Met1950Arg (NM_001456.4); short protein forms M1958R, M1950R.
Identifiers: ClinVar variation 129064 (VCV000129064.36), dbSNP rs587780336, ClinGen allele CA231107.